The following is an entry in ClinVar:

ClinVar aggregate classification (germline): Uncertain significance (1 of 4 stars; one submission).

Conditions:
ALG9 congenital disorder of glycosylation (CDG1L). Also called: CDG Il; ALG9-CDG; CONGENITAL DISORDER OF GLYCOSYLATION, TYPE Il. Identifiers: Orphanet 79328, MedGen C2931006, MONDO:0012117, OMIM 608776.

Allele frequency attached by ClinVar (database versions not stated): ExAC 0.00001.
gnomAD v4.1: 1 of 1,614,230 alleles (0.000062%); highest among the groups gnomAD compares: Admixed American, 0.0017%; no homozygotes.

Submission:

Labcorp Genetics (formerly Invitae), Labcorp
Classification: Uncertain significance for ALG9 congenital disorder of glycosylation. Last evaluated: 2022-02-02. Review status: criteria provided, single submitter. Criteria: Invitae Variant Classification Sherloc (09022015). Collection method: clinical testing. Allele origin: germline.
Comment: This sequence change replaces glutamine, which is neutral and polar, with glutamic acid, which is acidic and polar, at codon 286 of the ATP6V0A2 protein (p.Gln286Glu). In summary, the available evidence is currently insufficient to determine the role of this variant in disease. Therefore, it has been classified as a Variant of Uncertain Significance. Algorithms developed to predict the effect of missense changes on protein structure and function are either unavailable or do not agree on the potential impact of this missense change (SIFT: "Tolerated"; PolyPhen-2: "Probably Damaging"; Align-GVGD: "Class C0"). This variant has not been reported in the literature in individuals affected with ATP6V0A2-related conditions. This variant is present in population databases (rs759906846, gnomAD 0.003%).

NM_012463.4(ATP6V0A2):c.856C>G (p.Gln286Glu)

Gene: ATP6V0A2 (ATPase H+ transporting V0 subunit a2; plus strand). Cytogenetic location: 12q24.31.
Variant type: single nucleotide variant.
Coding change: c.856C>G on transcript NM_012463.4 (MANE Select); coding-DNA position 856, C replaced by G.
Protein change: p.Gln286Glu; replaces glutamine 286 with glutamic acid.
Molecular consequence: missense variant.
Genome position (GRCh38, 1-based): chr12:123,737,089, C>G. VCF-style: chr12-123737089-C-G. GRCh37 (hg19) VCF-style: chr12-124221636-C-G.
Other names: short protein forms Q286E.
Identifiers: ClinVar variation 1367582 (VCV001367582.8), dbSNP rs759906846, ClinGen allele CA6861761.